The following is an entry in ClinVar:

NM_007272.3(CTRC):c.40+10G>A

Gene: CTRC (chymotrypsin C; plus strand). Cytogenetic location: 1p36.21.
Variant type: single nucleotide variant.
Coding change: c.40+10G>A on transcript NM_007272.3 (MANE Select); 10 bases into the intron after coding-DNA position 40, G replaced by A.
Molecular consequence: intron variant.
Genome position (GRCh38, 1-based): chr1:15,438,514, G>A. VCF-style: chr1-15438514-G-A. GRCh37 (hg19) VCF-style: chr1-15765010-G-A.
Other names: p.?.
Identifiers: ClinVar variation 1585827 (VCV001585827.9), dbSNP rs564455614, ClinGen allele CA613187.
Genomic context (GRCh38, chr1:15,438,514, plus strand): 5'-AGCACCTAACCATGTTGGGCATCACTGTCCTCGCTGCGCTCTTGGCCTGTGGTAAGCGGT[G>A]GGGTGGGGCTGCAGCTAGCAGGCTGTGAGCTCGGGCTGGCCTCCAGGGCAAGGACGGGAT-3'

ClinVar aggregate classification (germline): Likely benign. Review status: criteria provided, multiple submitters, no conflicts (2 of 4 stars). 2 submissions from 2 submitters: Likely benign (2). Last evaluated 2025-08-07.

Conditions:
Hereditary pancreatitis (PCTT). Also called: Hereditary chronic pancreatitis; PRSS1-Related Hereditary Pancreatitis. Identifiers: Orphanet 676, MedGen C0238339, MONDO:0008185, OMIM 167800.

Allele frequency attached by ClinVar (database versions not stated): TOPMed 0.00002; gnomAD 0.00004; gnomAD exomes 0.00005 and 0.00008; ExAC 0.00010; 1000 Genomes Project 0.00040; 1000 Genomes Project 30x 0.00047.

Submissions (2):

Labcorp Genetics (formerly Invitae), Labcorp
Classification: Likely benign for Hereditary pancreatitis. Last evaluated: 2025-08-07. Review status: criteria provided, single submitter. Criteria: Invitae Variant Classification Sherloc (09022015). Collection method: clinical testing. Allele origin: germline.

Mayo Clinic Laboratories, Mayo Clinic
Classification: Likely benign. Last evaluated: 2025-06-17. Review status: criteria provided, single submitter. Criteria: ACMG Guidelines, 2015. Collection method: clinical testing. Allele origin: germline. Observed: 1 variant allele.
Comment: BP4_very_strong, BP7